The following is an entry in ClinVar:

ClinVar aggregate classification (germline): Uncertain significance. Review status: criteria provided, multiple submitters, no conflicts (2 of 4 stars). 4 submissions from 4 submitters: Uncertain significance (2). 2 of the submissions do not count toward it. Last evaluated 2025-08-23.

Conditions:
LAMA2-related muscular dystrophy (LAMA2-RD). Also called: Laminin alpha 2-related dystrophy. Identifiers: MedGen C5679788, MONDO:0100228.
Inborn genetic diseases. Identifiers: MedGen C0950123, MeSH D030342.

Allele frequency attached by ClinVar (database versions not stated): gnomAD exomes 0.00001 and 0.00002; gnomAD 0.00003; TOPMed 0.00003.
gnomAD v4.1: 37 of 1,613,990 alleles (0.0023%); highest among the groups gnomAD compares: Non-Finnish European, 0.0031%; no homozygotes.

Submissions (4):

Ambry Genetics
Classification: Uncertain significance for Inborn genetic diseases. Last evaluated: 2025-08-23. Review status: criteria provided, single submitter. Criteria: Ambry Variant Classification Scheme 2023. Collection method: clinical testing. Allele origin: germline.

Labcorp Genetics (formerly Invitae), Labcorp
Classification: Uncertain significance for LAMA2-related muscular dystrophy. Last evaluated: 2021-08-26. Review status: criteria provided, single submitter. Criteria: Invitae Variant Classification Sherloc (09022015). Collection method: clinical testing. Allele origin: germline.
Comment: This sequence change replaces alanine with serine at codon 1898 of the LAMA2 protein (p.Ala1898Ser). The alanine residue is moderately conserved and there is a moderate physicochemical difference between alanine and serine. This variant is not present in population databases (ExAC no frequency). This variant has not been reported in the literature in individuals affected with LAMA2-related conditions. Advanced modeling of protein sequence and biophysical properties (such as structural, functional, and spatial information, amino acid conservation, physicochemical variation, residue mobility, and thermodynamic stability) performed at Invitae indicates that this missense variant is not expected to disrupt LAMA2 protein function. In summary, the available evidence is currently insufficient to determine the role of this variant in disease. Therefore, it has been classified as a Variant of Uncertain Significance.

Clinical Genetics DNA and cytogenetics Diagnostics Lab, Erasmus MC, Erasmus Medical Center
Classification: Uncertain significance. Review status: no assertion criteria provided. Collection method: clinical testing. Allele origin: germline. Affected: yes. Study: VKGL Data-share Consensus. Not counted in ClinVar's aggregate classification.

Diagnostic Laboratory, Department of Genetics, University Medical Center Groningen
Classification: Uncertain significance. Review status: no assertion criteria provided. Collection method: clinical testing. Allele origin: germline. Affected: yes. Study: VKGL Data-share Consensus. Not counted in ClinVar's aggregate classification.

NM_000426.4(LAMA2):c.5692G>T (p.Ala1898Ser)

Gene: LAMA2 (laminin subunit alpha 2; plus strand). Cytogenetic location: 6q22.33.
Variant type: single nucleotide variant.
Coding change: c.5692G>T on transcript NM_000426.4 (MANE Select); coding-DNA position 5692, G replaced by T.
Protein change: p.Ala1898Ser; replaces alanine 1898 with serine.
Molecular consequence: missense variant.
Genome position (GRCh38, 1-based): chr6:129,402,453, G>T. VCF-style: chr6-129402453-G-T. GRCh37 (hg19) VCF-style: chr6-129723598-G-T.
Other names: c.5692G>T, p.Ala1898Ser (NM_001079823.2); c.5692G>T (NM_000426.3); short protein forms A1898S.
Identifiers: ClinVar variation 1174640 (VCV001174640.11), dbSNP rs1231472133, ClinGen allele CA365616521.